The following is an entry in ClinVar:

ClinVar aggregate classification (germline): Uncertain significance (1 of 4 stars; one submission).

Conditions:
POLD1-related polyposis and colorectal cancer syndrome (CRCS10). Also called: Colorectal cancer 10; COLORECTAL CANCER, SUSCEPTIBILITY TO, ON CHROMOSOME 19q; Colorectal cancer, susceptibility to, 10. Identifiers: Orphanet 220460, MedGen C2675481, MONDO:0012953, OMIM 612591.

Submission:

Labcorp Genetics (formerly Invitae), Labcorp
Classification: Uncertain significance for POLD1-related polyposis and colorectal cancer syndrome. Last evaluated: 2017-08-02. Review status: criteria provided, single submitter. Criteria: Invitae Variant Classification Sherloc (09022015). Collection method: clinical testing. Allele origin: germline.
Comment: This variant is not present in population databases (ExAC no frequency). This sequence change replaces asparagine with serine at codon 698 of the POLD1 protein (p.Asn698Ser). The asparagine residue is highly conserved and there is a small physicochemical difference between asparagine and serine. This variant has not been reported in the literature in individuals with POLD1-related disease. In summary, the available evidence is currently insufficient to determine the role of this variant in disease. Therefore, it has been classified as a Variant of Uncertain Significance. Algorithms developed to predict the effect of missense changes on protein structure and function (SIFT, PolyPhen-2, Align-GVGD) all suggest that this variant is likely to be disruptive, but these predictions have not been confirmed by published functional studies and their clinical significance is uncertain.

NM_002691.4(POLD1):c.2093A>G (p.Asn698Ser)

Gene: POLD1 (DNA polymerase delta 1, catalytic subunit; plus strand). Cytogenetic location: 19q13.33.
Variant type: single nucleotide variant.
Coding change: c.2093A>G on transcript NM_002691.4 (MANE Select); coding-DNA position 2093, A replaced by G.
Protein change: p.Asn698Ser; replaces asparagine 698 with serine.
Molecular consequence: missense variant. On other transcripts: non-coding transcript variant (1).
Genome position (GRCh38, 1-based): chr19:50,409,605, A>G. VCF-style: chr19-50409605-A-G. GRCh37 (hg19) VCF-style: chr19-50912862-A-G.
Other names: c.2093A>G, p.Asn698Ser (NM_001256849.1); c.2171A>G, p.Asn724Ser (NM_001308632.1); short protein forms N724S, N698S.
Identifiers: ClinVar variation 537034 (VCV000537034.8), dbSNP rs1555792012, ClinGen allele CA406982608.